The following is an entry in ClinVar:

ClinVar aggregate classification (germline): Pathogenic (1 of 4 stars; one submission).

Submission:

Labcorp Genetics (formerly Invitae), Labcorp
Classification: Pathogenic. Last evaluated: 2023-06-23. Review status: criteria provided, single submitter. Criteria: Invitae Variant Classification Sherloc (09022015). Collection method: clinical testing. Allele origin: germline.
Comment: This sequence change creates a premature translational stop signal (p.Glu1166*) in the TET2 gene. It is expected to result in an absent or disrupted protein product. Loss-of-function variants in TET2 are known to be pathogenic (PMID: 36066697). This variant is not present in population databases (gnomAD no frequency). This variant has not been reported in the literature in individuals affected with TET2-related conditions. For these reasons, this variant has been classified as Pathogenic.

Literature cited by the submitters: PubMed 36066697.

NM_001127208.3(TET2):c.3496G>T (p.Glu1166Ter)

Genes: TET2 (tet methylcytosine dioxygenase 2; plus strand), TET2-AS1 (TET2 antisense RNA 1; minus strand). Cytogenetic location: 4q24.
Variant type: single nucleotide variant.
Coding change: c.3496G>T on transcript NM_001127208.3 (MANE Select); coding-DNA position 3496, G replaced by T.
Protein change: p.Glu1166Ter; replaces glutamic acid 1166 with a stop codon.
Molecular consequence: nonsense. On other transcripts: 3 prime UTR variant (1).
Genome position (GRCh38, 1-based): chr4:105,241,425, G>T. VCF-style: chr4-105241425-G-T. GRCh37 (hg19) VCF-style: chr4-106162582-G-T.
Other names: c.*3985G>T (NM_017628.4); short protein forms E1166*.
Identifiers: ClinVar variation 2725392 (VCV002725392.3), dbSNP rs2110249286, ClinGen allele CA357804250.